The following is an entry in ClinVar:

NM_001035.3(RYR2):c.13665C>T (p.Ile4555=)

Gene: RYR2 (ryanodine receptor 2; plus strand). Cytogenetic location: 1q43.
Variant type: single nucleotide variant.
Coding change: c.13665C>T on transcript NM_001035.3 (MANE Select); coding-DNA position 13665, C replaced by T.
Protein change: p.Ile4555=; no amino-acid change (isoleucine 4555 retained).
Molecular consequence: synonymous variant.
Genome position (GRCh38, 1-based): chr1:237,792,206, C>T. VCF-style: chr1-237792206-C-T. GRCh37 (hg19) VCF-style: chr1-237955506-C-T.
Other names: c.13665C>T, p.Ile4555= (LRG_402t1).
Identifiers: ClinVar variation 283895 (VCV000283895.62), dbSNP rs375213838, ClinGen allele CA085430.

ClinVar aggregate classification (germline): Conflicting classifications of pathogenicity. Review status: criteria provided, conflicting classifications (1 of 4 stars). 8 submissions from 7 submitters: Uncertain significance (3); Likely benign (5). Last evaluated 2026-08-01.

Conditions:
Cardiovascular phenotype. Identifiers: MedGen CN230736.
Catecholaminergic polymorphic ventricular tachycardia (CVPT). Also called: Catecholamine-induced polymorphic ventricular tachycardia. Identifiers: Orphanet 3286, MedGen C5574922, MONDO:0017990.
Cardiomyopathy (CMYO). Also called: Cardiomyopathies. Identifiers: Orphanet 167848, MedGen C0878544, MONDO:0004994, HP:0001638. Inheritance: Various modes of inheritance.
Catecholaminergic polymorphic ventricular tachycardia 1. Also called: VENTRICULAR TACHYCARDIA, STRESS-INDUCED POLYMORPHIC 1; VENTRICULAR TACHYCARDIA, CATECHOLAMINERGIC POLYMORPHIC, 1, WITH OR WITHOUT ATRIAL DYSFUNCTION AND/OR DILATED CARDIOMYOPATHY; RYR2-Related Catecholaminergic Polymorphic Ventricular Tachycardia. Identifiers: Orphanet 3286, MedGen C1631597, MONDO:0011484, OMIM 604772.
Arrhythmogenic right ventricular dysplasia 2. Identifiers: MedGen C1832931.

Allele frequency attached by ClinVar (database versions not stated): ExAC 0.00001; gnomAD 0.00001; gnomAD exomes 0.00001 and 0.00003; TOPMed 0.00002; ESP Exome Variant Server 0.00008.
gnomAD v4.1: 39 of 1,613,546 alleles (0.0024%); highest among the groups gnomAD compares: Middle Eastern, 0.016%; no homozygotes.

Submissions (8):

CeGaT Center for Human Genetics Tuebingen
Classification: Likely benign. Last evaluated: 2026-08-01. Review status: criteria provided, single submitter. Criteria: CeGaT Center For Human Genetics Tuebingen Variant Classification Criteria Version 2. Collection method: clinical testing. Allele origin: germline. Affected: yes. Observed: 2 variant alleles.
Comment: RYR2: BP4, BP7

Labcorp Genetics (formerly Invitae), Labcorp
Classification: Likely benign for Catecholaminergic polymorphic ventricular tachycardia 1. Last evaluated: 2024-04-15. Review status: criteria provided, single submitter. Criteria: Invitae Variant Classification Sherloc (09022015). Collection method: clinical testing. Allele origin: germline.

All of Us Research Program, National Institutes of Health
Classification: Likely benign for Catecholaminergic polymorphic ventricular tachycardia. Last evaluated: 2023-12-13. Review status: criteria provided, single submitter. Criteria: ACMG Guidelines, 2015. Collection method: clinical testing. Allele origin: germline. Inheritance: Autosomal dominant inheritance. Observed: 6 variant alleles, 6 heterozygotes.
Comment: This study involves interpretation of variants in research participants for the purpose of population health screening. Participant phenotype was not available at the time of variant classification. Additional details can be found in publication PMID: 35346344, PMCID: PMC8962531

Ambry Genetics
Classification: Likely benign for Cardiovascular phenotype. Last evaluated: 2022-09-28. Review status: criteria provided, single submitter. Criteria: Ambry Variant Classification Scheme 2023. Collection method: clinical testing. Allele origin: germline.

Color Diagnostics, LLC DBA Color Health
Classification: Likely benign for Cardiomyopathy. Last evaluated: 2018-12-10. Review status: criteria provided, single submitter. Criteria: ACMG Guidelines, 2015. Collection method: clinical testing. Allele origin: germline.

Illumina Laboratory Services, Illumina
Classification: Uncertain significance for Catecholaminergic polymorphic ventricular tachycardia 1. Last evaluated: 2018-01-12. Review status: criteria provided, single submitter. Criteria: ICSL Variant Classification Criteria 13 December 2019. Collection method: clinical testing. Allele origin: germline.

Illumina Laboratory Services, Illumina
Classification: Uncertain significance for Catecholaminergic polymorphic ventricular tachycardia 1. Last evaluated: 2018-01-12. Review status: criteria provided, single submitter. Criteria: ICSL Variant Classification Criteria 13 December 2019. Collection method: clinical testing. Allele origin: germline.

Eurofins Ntd Llc (ga)
Classification: Uncertain significance. Last evaluated: 2015-10-15. Review status: criteria provided, single submitter. Criteria: EGL Classification Definitions 2015. Collection method: clinical testing. Allele origin: germline. Observed: 1 variant allele, 1 heterozygote.